The following is an entry in ClinVar:

NM_021096.4(CACNA1I):c.3614C>G (p.Thr1205Ser)

Gene: CACNA1I (calcium voltage-gated channel subunit alpha1 I; plus strand). Cytogenetic location: 22q13.1.
Variant type: single nucleotide variant.
Coding change: c.3614C>G on transcript NM_021096.4 (MANE Select); coding-DNA position 3614, C replaced by G.
Protein change: p.Thr1205Ser; replaces threonine 1205 with serine.
Molecular consequence: missense variant.
Genome position (GRCh38, 1-based): chr22:39,664,107, C>G. VCF-style: chr22-39664107-C-G. GRCh37 (hg19) VCF-style: chr22-40060112-C-G.
Other names: c.3509C>G, p.Thr1170Ser (NM_001003406.2); short protein forms T1170S, T1205S.
Identifiers: ClinVar variation 3344749 (VCV003344749.2).

ClinVar aggregate classification (germline): Uncertain significance (1 of 4 stars; one submission).

Conditions:
CACNA1I-related disorder. Also called: CACNA1I-related condition.

Submission:

PreventionGenetics, part of Exact Sciences
Classification: Uncertain significance for CACNA1I-related condition. Last evaluated: 2026-07-31. Review status: criteria provided, single submitter. Criteria: ACMG Guidelines, 2015. Collection method: clinical testing. Allele origin: germline.
Comment: The CACNA1I c.3614C>G variant is predicted to result in the amino acid substitution p.Thr1205Ser. To our knowledge, this variant has not been reported in the literature or in a large population database (gnomAD), indicating this variant is rare. At this time, the clinical significance of this variant is uncertain due to the absence of conclusive functional and genetic evidence.